The following is an entry in ClinVar:

NM_005188.4(CBL):c.2154-130A>T

Gene: CBL (Cbl proto-oncogene; plus strand). Cytogenetic location: 11q23.3.
Variant type: single nucleotide variant.
Coding change: c.2154-130A>T on transcript NM_005188.4 (MANE Select); 130 bases into the intron before coding-DNA position 2154, A replaced by T.
Molecular consequence: intron variant.
Genome position (GRCh38, 1-based): chr11:119,297,254, A>T. VCF-style: chr11-119297254-A-T. GRCh37 (hg19) VCF-style: chr11-119167964-A-T.
Identifiers: ClinVar variation 561571 (VCV000561571.2), dbSNP rs140888212, ClinGen allele CA229650064.

ClinVar aggregate classification (germline): Likely benign. Review status: criteria provided, multiple submitters, no conflicts (2 of 4 stars). 2 submissions from 2 submitters: Likely benign (2). Last evaluated 2018-06-16.

Allele frequency attached by ClinVar (database versions not stated): 1000 Genomes Project 0.00899; 1000 Genomes Project 30x 0.00921; TOPMed 0.01746; gnomAD 0.01749 and 0.01755.
gnomAD v4.1: 17,573 of 816,428 alleles (2.2%); highest among the groups gnomAD compares: Non-Finnish European, 2.9%; 253 homozygotes.

Submissions (2):

GeneDx
Classification: Likely benign. Last evaluated: 2018-06-16. Review status: criteria provided, single submitter. Criteria: GeneDx Variant Classification (06012015). Collection method: clinical testing. Allele origin: germline. Affected: yes.
Comment: This variant is considered likely benign or benign based on one or more of the following criteria: it is a conservative change, it occurs at a poorly conserved position in the protein, it is predicted to be benign by multiple in silico algorithms, and/or has population frequency not consistent with disease.

Breakthrough Genomics
Classification: Likely benign. Review status: criteria provided, single submitter. Criteria: ACMG Guidelines, 2015. Collection method: not provided. Allele origin: germline. Inheritance: Autosomal dominant inheritance. Affected: yes.